The following is an entry in ClinVar:

ClinVar aggregate classification (germline): Conflicting classifications of pathogenicity. Review status: criteria provided, conflicting classifications (1 of 4 stars). 3 submissions from 3 submitters: Uncertain significance (2); Likely benign (1). Last evaluated 2025-08-25.

Conditions:
Hereditary cancer-predisposing syndrome. Also called: Neoplastic Syndromes, Hereditary; Hereditary Cancer Syndrome; Hereditary neoplastic syndrome; Tumor predisposition. Identifiers: Orphanet 140162, MedGen C0027672, MeSH D009386, MONDO:0015356.
Diffuse midline glioma, H3 K27-altered. Identifiers: MedGen C5669877, MONDO:1060171.

Allele frequency attached by ClinVar (database versions not stated): gnomAD exomes below 0.00001; gnomAD 0.00001; TOPMed 0.00002.
gnomAD v4.1: 6 of 1,614,052 alleles (0.00037%); highest among the groups gnomAD compares: South Asian, 0.0033%; no homozygotes.

Submissions (3):

Labcorp Genetics (formerly Invitae), Labcorp
Classification: Uncertain significance. Last evaluated: 2025-08-25. Review status: criteria provided, single submitter. Criteria: Invitae Variant Classification Sherloc (09022015). Collection method: clinical testing. Allele origin: germline.
Comment: This sequence change replaces isoleucine, which is neutral and non-polar, with valine, which is neutral and non-polar, at codon 1411 of the POLE protein (p.Ile1411Val). This variant is present in population databases (no rsID available, gnomAD 0.006%). This variant has not been reported in the literature in individuals affected with POLE-related conditions. ClinVar contains an entry for this variant (Variation ID: 540824). Invitae Evidence Modeling of protein sequence and biophysical properties (such as structural, functional, and spatial information, amino acid conservation, physicochemical variation, residue mobility, and thermodynamic stability) indicates that this missense variant is not expected to disrupt POLE protein function with a negative predictive value of 80%. In summary, the available evidence is currently insufficient to determine the role of this variant in disease. Therefore, it has been classified as a Variant of Uncertain Significance.

Ambry Genetics
Classification: Likely benign for Hereditary cancer-predisposing syndrome. Last evaluated: 2025-01-15. Review status: criteria provided, single submitter. Criteria: Ambry Variant Classification Scheme 2023. Collection method: clinical testing. Allele origin: germline.

Laboratory of Medical Genetics Unit, Bambino Gesù Children's Hospital
Classification: Uncertain significance for Diffuse midline glioma, H3 K27-altered. Review status: criteria provided, single submitter. Criteria: ACMG Guidelines, 2015. Collection method: research. Allele origin: germline. Affected: yes. Observed: 1 heterozygote.

NM_006231.4(POLE):c.4231A>G (p.Ile1411Val)

Gene: POLE (DNA polymerase epsilon, catalytic subunit; minus strand). Cytogenetic location: 12q24.33.
Variant type: single nucleotide variant.
Coding change: c.4231A>G on transcript NM_006231.4 (MANE Select); coding-DNA position 4231, A replaced by G.
Protein change: p.Ile1411Val; replaces isoleucine 1411 with valine.
Molecular consequence: missense variant.
Genome position (GRCh38, 1-based): chr12:132,643,896, T>C on the plus strand (A>G on the coding strand, the complement: POLE is on the minus strand). VCF-style: chr12-132643896-T-C. GRCh37 (hg19) VCF-style: chr12-133220482-T-C.
Other names: short protein forms I1411V.
Identifiers: ClinVar variation 540824 (VCV000540824.13), dbSNP rs1233033042, ClinGen allele CA387382094.
Genomic context (GRCh38, chr12:132,643,896, plus strand): 5'-CCTGAGTCTCATATACGCCCTCGATGTCTGGCGCTGACAGCTCAGCGTTGATCTCGTTGA[T>C]GTGTTCCTGGTACATGTCCTCTGGCACTGAATACTCATAGAGATTGTAGACCATGTTGGA-3'
Protein context (NP_006222.2, residues 1401-1421): SVPEDMYQEH[Ile1411Val]NEINAELSAP